The following is an entry in ClinVar:

ClinVar aggregate classification (germline): Likely benign (0 of 4 stars; one submission).

Conditions:
TBC1D1-related disorder. Also called: TBC1D1-related condition.

Allele frequency attached by ClinVar (database versions not stated): ExAC 0.00047; 1000 Genomes Project 0.00140; 1000 Genomes Project 30x 0.00141; ESP Exome Variant Server 0.00169; gnomAD 0.00182; TOPMed 0.00196.
gnomAD v4.1: 577 of 1,614,126 alleles (0.036%); highest among the groups gnomAD compares: African/African-American, 0.69%; 2 homozygotes.

Submission:

PreventionGenetics, part of Exact Sciences
Classification: Likely benign for TBC1D1-related condition. Last evaluated: 2024-04-04. Review status: no assertion criteria provided. Collection method: clinical testing. Allele origin: germline.
Comment: This variant is classified as likely benign based on ACMG/AMP sequence variant interpretation guidelines (Richards et al. 2015 PMID: 25741868, with internal and published modifications).

NM_001396959.1(TBC1D1):c.1754C>T (p.Ser585Leu)

Gene: TBC1D1 (TBC1 domain family member 1; plus strand). Cytogenetic location: 4p14.
Variant type: single nucleotide variant.
Coding change: c.1754C>T on transcript NM_001396959.1 (MANE Select); coding-DNA position 1754, C replaced by T.
Protein change: p.Ser585Leu; replaces serine 585 with leucine.
Molecular consequence: missense variant.
Genome position (GRCh38, 1-based): chr4:38,049,742, C>T. VCF-style: chr4-38049742-C-T. GRCh37 (hg19) VCF-style: chr4-38051363-C-T.
Other names: c.1754C>T, p.Ser585Leu (NM_001253912.2, NM_015173.4); short protein forms S585L.
Identifiers: ClinVar variation 3056070 (VCV003056070.2), dbSNP rs61752489, ClinGen allele CA2887853.